The following is an entry in ClinVar:

ClinVar aggregate classification (germline): Uncertain significance (1 of 4 stars; one submission).

Conditions:
Cowden syndrome 3 (CWS3). Identifiers: Orphanet 201, MedGen CN166604, MONDO:0014045.
Pheochromocytoma. Also called: MAX-Related Hereditary Paraganglioma-Pheochromocytoma Syndrome. Identifiers: Orphanet 29072, MedGen C0031511, MONDO:0008233, OMIM 171300, HP:0002666.
Paragangliomas with sensorineural hearing loss. Identifiers: MedGen C1868633.
Carney-Stratakis syndrome. Also called: PARAGANGLIOMA AND GASTROINTESTINAL STROMAL TUMOR. Identifiers: Orphanet 97286, MedGen C1847319, MONDO:0011740, OMIM 606864.

Allele frequency attached by ClinVar (database versions not stated): TOPMed below 0.00001.

Submission:

Labcorp Genetics (formerly Invitae), Labcorp
Classification: Uncertain significance for Carney-Stratakis syndrome; Paragangliomas with sensorineural hearing loss; Pheochromocytoma; Cowden syndrome 3. Last evaluated: 2023-12-12. Review status: criteria provided, single submitter. Criteria: Invitae Variant Classification Sherloc (09022015). Collection method: clinical testing. Allele origin: germline.
Comment: This sequence change replaces alanine, which is neutral and non-polar, with serine, which is neutral and polar, at codon 126 of the SDHD protein (p.Ala126Ser). This variant is not present in population databases (gnomAD no frequency). This variant has not been reported in the literature in individuals affected with SDHD-related conditions. Advanced modeling of protein sequence and biophysical properties (such as structural, functional, and spatial information, amino acid conservation, physicochemical variation, residue mobility, and thermodynamic stability) has been performed at Invitae for this missense variant, however the output from this modeling did not meet the statistical confidence thresholds required to predict the impact of this variant on SDHD protein function. In summary, the available evidence is currently insufficient to determine the role of this variant in disease. Therefore, it has been classified as a Variant of Uncertain Significance.

NM_003002.4(SDHD):c.376G>T (p.Ala126Ser)

Gene: SDHD (succinate dehydrogenase complex subunit D; plus strand). Cytogenetic location: 11q23.1.
Variant type: single nucleotide variant.
Coding change: c.376G>T on transcript NM_003002.4 (MANE Select); coding-DNA position 376, G replaced by T.
Protein change: p.Ala126Ser; replaces alanine 126 with serine.
Molecular consequence: missense variant. On other transcripts: 3 prime UTR variant (1), non-coding transcript variant (1).
Genome position (GRCh38, 1-based): chr11:112,094,866, G>T. VCF-style: chr11-112094866-G-T. GRCh37 (hg19) VCF-style: chr11-111965590-G-T.
Other names: c.231G>T, p.Arg77Ser (NM_001276503.2); c.259G>T, p.Ala87Ser (NM_001276504.2); c.*74G>T (NM_001276506.2); short protein forms A126S, R77S, A87S.
Identifiers: ClinVar variation 2951881 (VCV002951881.3), dbSNP rs1592786265, ClinGen allele CA382619064.
Genomic context (GRCh38, chr11:112,094,866, plus strand): 5'-GGCCTTGGACAAGTTGTTACTGACTATGTTCATGGGGATGCCTTGCAGAAAGCTGCCAAG[G>T]CAGGGCTTTTGGCACTTTCAGCTTTAACCTTTGCTGGGCTTTGCTATTTCAACTATCACG-3'
Protein context (NP_002993.1, residues 116-136): HGDALQKAAK[Ala126Ser]GLLALSALTF